The following is an entry in ClinVar:

NM_003136.4(SRP54):c.636A>G (p.Ile212Met)

Gene: SRP54 (signal recognition particle 54; plus strand). Cytogenetic location: 14q13.2.
Variant type: single nucleotide variant.
Coding change: c.636A>G on transcript NM_003136.4 (MANE Select); coding-DNA position 636, A replaced by G.
Protein change: p.Ile212Met; replaces isoleucine 212 with methionine.
Molecular consequence: missense variant.
Genome position (GRCh38, 1-based): chr14:35,011,659, A>G. VCF-style: chr14-35011659-A-G. GRCh37 (hg19) VCF-style: chr14-35480865-A-G.
Other names: c.489A>G, p.Ile163Met (NM_001146282.2); c.636A>G, p.Ile212Met (NM_001411017.1); short protein forms I212M, I163M.
Identifiers: ClinVar variation 3710774 (VCV003710774.2).

ClinVar aggregate classification (germline): Uncertain significance (1 of 4 stars; one submission).

gnomAD v4.1: 2 of 1,534,822 alleles (0.00013%); highest among the groups gnomAD compares: Admixed American, 0.0019%; no homozygotes.

Submission:

Labcorp Genetics (formerly Invitae), Labcorp
Classification: Uncertain significance. Last evaluated: 2024-09-25. Review status: criteria provided, single submitter. Criteria: Invitae Variant Classification Sherloc (09022015). Collection method: clinical testing. Allele origin: germline.
Comment: This sequence change replaces isoleucine, which is neutral and non-polar, with methionine, which is neutral and non-polar, at codon 212 of the SRP54 protein (p.Ile212Met). This variant is present in population databases (rs140228686, gnomAD 0.004%). This variant has not been reported in the literature in individuals affected with SRP54-related conditions. An algorithm developed to predict the effect of missense changes on protein structure and function (PolyPhen-2) suggests that this variant is likely to be disruptive. In summary, the available evidence is currently insufficient to determine the role of this variant in disease. Therefore, it has been classified as a Variant of Uncertain Significance.